The following is an entry in ClinVar:

ClinVar aggregate classification (germline): Uncertain significance (1 of 4 stars; one submission).

Submission:

Ambry Genetics
Classification: Uncertain significance. Last evaluated: 2023-11-23. Review status: criteria provided, single submitter. Criteria: Ambry Variant Classification Scheme 2023. Collection method: clinical testing. Allele origin: germline.
Comment: The p.V304D variant (also known as c.911T>A), located in coding exon 4 of the GALNT12 gene, results from a T to A substitution at nucleotide position 911. The valine at codon 304 is replaced by aspartic acid, an amino acid with highly dissimilar properties. This amino acid position is conserved. In addition, this alteration is predicted to be deleterious by in silico analysis. Since supporting evidence is limited at this time, the clinical significance of this alteration remains unclear.

NM_024642.5(GALNT12):c.911T>A (p.Val304Asp)

Gene: GALNT12 (polypeptide N-acetylgalactosaminyltransferase 12; plus strand). Cytogenetic location: 9q22.33.
Variant type: single nucleotide variant.
Coding change: c.911T>A on transcript NM_024642.5 (MANE Select); coding-DNA position 911, T replaced by A.
Protein change: p.Val304Asp; replaces valine 304 with aspartic acid.
Molecular consequence: missense variant.
Genome position (GRCh38, 1-based): chr9:98,831,951, T>A. VCF-style: chr9-98831951-T-A. GRCh37 (hg19) VCF-style: chr9-101594233-T-A.
Other names: short protein forms V304D.
Identifiers: ClinVar variation 3227970 (VCV003227970.1), dbSNP rs944091378, ClinGen allele CA374218419.